The following is an entry in ClinVar:

NM_001429.4(EP300):c.4071C>G (p.Thr1357=)

Gene: EP300 (EP300 lysine acetyltransferase; plus strand). Cytogenetic location: 22q13.2.
Variant type: single nucleotide variant.
Coding change: c.4071C>G on transcript NM_001429.4 (MANE Select); coding-DNA position 4071, C replaced by G.
Protein change: p.Thr1357=; no amino-acid change (threonine 1357 retained).
Molecular consequence: synonymous variant.
Genome position (GRCh38, 1-based): chr22:41,168,766, C>G. VCF-style: chr22-41168766-C-G. GRCh37 (hg19) VCF-style: chr22-41564770-C-G.
Other names: c.3993C>G, p.Thr1331= (NM_001362843.2).
Identifiers: ClinVar variation 4984073 (VCV004984073.1).

ClinVar aggregate classification (germline): Likely benign (1 of 4 stars; one submission).

Conditions:
EP300-related disorder. Also called: EP300-related condition; EP300-related disorders.

Submission:

PreventionGenetics, part of Exact Sciences
Classification: Likely benign for EP300-related condition. Last evaluated: 2024-12-17. Review status: criteria provided, single submitter. Criteria: ACMG Guidelines, 2015. Collection method: clinical testing. Allele origin: germline.
Comment: This variant is classified as likely benign based on ACMG/AMP sequence variant interpretation guidelines (Richards et al. 2015 PMID: 25741868, with internal and published modifications).